The following is an entry in ClinVar:

ClinVar aggregate classification (germline): Uncertain significance. Review status: criteria provided, multiple submitters, no conflicts (2 of 4 stars). 2 submissions from 2 submitters: Uncertain significance (2). Last evaluated 2025-10-25.

Conditions:
Tuberous sclerosis 1 (TSC1). Identifiers: Orphanet 805, MedGen C1854465, MONDO:0008612, OMIM 191100.
Hereditary cancer-predisposing syndrome. Also called: Tumor predisposition; Hereditary Cancer Syndrome; Hereditary neoplastic syndrome; Neoplastic Syndromes, Hereditary. Identifiers: Orphanet 140162, MedGen C0027672, MeSH D009386, MONDO:0015356.

Submissions (2):

Ambry Genetics
Classification: Uncertain significance for Hereditary cancer-predisposing syndrome. Last evaluated: 2025-10-25. Review status: criteria provided, single submitter. Criteria: Ambry Variant Classification Scheme 2023. Collection method: clinical testing. Allele origin: germline.
Comment: The p.H59Y variant (also known as c.175C>T), located in coding exon 2 of the TSC1 gene, results from a C to T substitution at nucleotide position 175. The histidine at codon 59 is replaced by tyrosine, an amino acid with similar properties. This amino acid position is conserved. In addition, the in silico prediction for this alteration is inconclusive. Since supporting evidence is limited at this time, the clinical significance of this alteration remains unclear.

Labcorp Genetics (formerly Invitae), Labcorp
Classification: Uncertain significance for Tuberous sclerosis 1. Last evaluated: 2025-07-06. Review status: criteria provided, single submitter. Criteria: Invitae Variant Classification Sherloc (09022015). Collection method: clinical testing. Allele origin: germline.
Comment: This sequence change replaces histidine, which is basic and polar, with tyrosine, which is neutral and polar, at codon 59 of the TSC1 protein (p.His59Tyr). This variant is not present in population databases (gnomAD no frequency). This variant has not been reported in the literature in individuals affected with TSC1-related conditions. ClinVar contains an entry for this variant (Variation ID: 2072738). Invitae Evidence Modeling of protein sequence and biophysical properties (such as structural, functional, and spatial information, amino acid conservation, physicochemical variation, residue mobility, and thermodynamic stability) indicates that this missense variant is not expected to disrupt TSC1 protein function with a negative predictive value of 95%. In summary, the available evidence is currently insufficient to determine the role of this variant in disease. Therefore, it has been classified as a Variant of Uncertain Significance.

NM_000368.5(TSC1):c.175C>T (p.His59Tyr)

Gene: TSC1 (TSC complex subunit 1; minus strand). Cytogenetic location: 9q34.13.
Variant type: single nucleotide variant.
Coding change: c.175C>T on transcript NM_000368.5 (MANE Select); coding-DNA position 175, C replaced by T.
Protein change: p.His59Tyr; replaces histidine 59 with tyrosine.
Molecular consequence: missense variant. On other transcripts: intron variant (1).
Genome position (GRCh38, 1-based): chr9:132,927,236, G>A on the plus strand (C>T on the coding strand, the complement: TSC1 is on the minus strand). VCF-style: chr9-132927236-G-A. GRCh37 (hg19) VCF-style: chr9-135802623-G-A.
Other names: c.175C>T, p.His59Tyr (NM_001406613.1, NM_001162426.2, NM_001162427.2 and 21 more transcripts); c.-314C>T (NM_001406615.1, NM_001406623.1); c.-281C>T (NM_001406616.1, NM_001406624.1); c.-703C>T (NM_001406626.1, NM_001406627.1, NM_001406628.1); c.-845C>T (NM_001406629.1); c.-919C>T (NM_001406630.1); c.-153-1497C>T (NM_001362177.2); short protein forms H59Y.
Identifiers: ClinVar variation 2072738 (VCV002072738.7), dbSNP rs2132267151, ClinGen allele CA375375096.